The following is an entry in ClinVar:

NM_001085411.3(NADK2):c.1149T>C (p.Asn383=)

Gene: NADK2 (NAD kinase 2, mitochondrial; minus strand). Cytogenetic location: 5p13.2.
Variant type: single nucleotide variant.
Coding change: c.1149T>C on transcript NM_001085411.3 (MANE Select); coding-DNA position 1149, T replaced by C.
Protein change: p.Asn383=; no amino-acid change (asparagine 383 retained).
Molecular consequence: synonymous variant.
Genome position (GRCh38, 1-based): chr5:36,197,582, A>G on the plus strand (T>C on the coding strand, the complement: NADK2 is on the minus strand). VCF-style: chr5-36197582-A-G. GRCh37 (hg19) VCF-style: chr5-36197684-A-G.
Other names: c.660T>C, p.Asn220= (NM_001287340.2, NM_153013.5); c.726T>C, p.Asn242= (NM_001287341.2).
Identifiers: ClinVar variation 518098 (VCV000518098.1), dbSNP rs371269332, ClinGen allele CA3234502.

ClinVar aggregate classification (germline): Likely benign (1 of 4 stars; one submission).

Allele frequency attached by ClinVar (database versions not stated): gnomAD exomes 0.00001 and 0.00002; ExAC 0.00003; TOPMed 0.00007; ESP Exome Variant Server 0.00008; gnomAD 0.00011; 1000 Genomes Project 30x 0.00016; 1000 Genomes Project 0.00020.
gnomAD v4.1: 23 of 1,612,184 alleles (0.0014%); highest among the groups gnomAD compares: African/African-American, 0.029%; no homozygotes.

Submission:

GeneDx
Classification: Likely benign. Last evaluated: 2017-07-11. Review status: criteria provided, single submitter. Criteria: GeneDx Variant Classification (06012015). Collection method: clinical testing. Allele origin: germline. Affected: yes.
Comment: This variant is considered likely benign or benign based on one or more of the following criteria: it is a conservative change, it occurs at a poorly conserved position in the protein, it is predicted to be benign by multiple in silico algorithms, and/or has population frequency not consistent with disease.